The following is an entry in ClinVar:

ClinVar aggregate classification (germline): Uncertain significance (1 of 4 stars; one submission).

gnomAD v4.1: 1 of 1,613,920 alleles (0.000062%); highest among the groups gnomAD compares: Non-Finnish European, 0.000085%; no homozygotes.

Submission:

GeneDx
Classification: Uncertain significance. Last evaluated: 2023-05-22. Review status: criteria provided, single submitter. Criteria: GeneDx Variant Classification Process June 2021. Collection method: clinical testing. Allele origin: germline. Affected: yes.
Comment: Not observed at significant frequency in large population cohorts (gnomAD); In silico analysis supports that this missense variant does not alter protein structure/function; This variant is associated with the following publications: (PMID: 27620904)

NM_004973.4(JARID2):c.2255C>T (p.Pro752Leu)

Gene: JARID2 (jumonji and AT-rich interaction domain containing 2; plus strand). Cytogenetic location: 6p22.3.
Variant type: single nucleotide variant.
Coding change: c.2255C>T on transcript NM_004973.4 (MANE Select); coding-DNA position 2255, C replaced by T.
Protein change: p.Pro752Leu; replaces proline 752 with leucine.
Molecular consequence: missense variant.
Genome position (GRCh38, 1-based): chr6:15,501,216, C>T. VCF-style: chr6-15501216-C-T. GRCh37 (hg19) VCF-style: chr6-15501447-C-T.
Other names: c.1739C>T, p.Pro580Leu (NM_001267040.1); short protein forms P580L, P752L.
Identifiers: ClinVar variation 3340334 (VCV003340334.1).
Genomic context (GRCh38, chr6:15,501,216, plus strand): 5'-AGCGCAAGGGGCCGCTGGAAGGCCACACAGAGAACGACCACCACAAGTTCCACCCTCTGC[C>T]CCGCTTCGAGCCCAAGAATGGGCTCATCCACGGCGTGGCCCCCAGGAACGGCTTCCGCAG-3'
Protein context (NP_004964.2, residues 742-762): ENDHHKFHPL[Pro752Leu]RFEPKNGLIH